The following is an entry in ClinVar:

ClinVar aggregate classification (germline): Uncertain significance (1 of 4 stars; one submission).

Submission:

Labcorp Genetics (formerly Invitae), Labcorp
Classification: Uncertain significance. Last evaluated: 2024-06-25. Review status: criteria provided, single submitter. Criteria: Invitae Variant Classification Sherloc (09022015). Collection method: clinical testing. Allele origin: germline.
Comment: This sequence change replaces lysine, which is basic and polar, with arginine, which is basic and polar, at codon 473 of the ANKRD26 protein (p.Lys473Arg). This variant is not present in population databases (gnomAD no frequency). This variant has not been reported in the literature in individuals affected with ANKRD26-related conditions. An algorithm developed to predict the effect of missense changes on protein structure and function (PolyPhen-2) suggests that this variant is likely to be disruptive. Algorithms developed to predict the effect of sequence changes on RNA splicing suggest that this variant may disrupt the consensus splice site. In summary, the available evidence is currently insufficient to determine the role of this variant in disease. Therefore, it has been classified as a Variant of Uncertain Significance.

NM_014915.3(ANKRD26):c.1418A>G (p.Lys473Arg)

Gene: ANKRD26 (ankyrin repeat domain 26; minus strand). Cytogenetic location: 10p12.1.
Variant type: single nucleotide variant.
Coding change: c.1418A>G on transcript NM_014915.3 (MANE Select); coding-DNA position 1418, A replaced by G.
Protein change: p.Lys473Arg; replaces lysine 473 with arginine.
Molecular consequence: missense variant.
Genome position (GRCh38, 1-based): chr10:27,061,188, T>C on the plus strand (A>G on the coding strand, the complement: ANKRD26 is on the minus strand). VCF-style: chr10-27061188-T-C. GRCh37 (hg19) VCF-style: chr10-27350117-T-C.
Other names: c.1418A>G, p.Lys473Arg (NM_001256053.2); short protein forms K473R.
Identifiers: ClinVar variation 3700498 (VCV003700498.2).